The following is an entry in ClinVar:

ClinVar aggregate classification (germline): Uncertain significance. Review status: criteria provided, multiple submitters, no conflicts (2 of 4 stars). 2 submissions from 2 submitters: Uncertain significance (2). Last evaluated 2024-10-07.

Conditions:
Inborn genetic diseases. Identifiers: MedGen C0950123, MeSH D030342.

Allele frequency attached by ClinVar (database versions not stated): gnomAD 0.00002; 1000 Genomes Project 0.00020; 1000 Genomes Project 30x 0.00031.

Submissions (2):

Labcorp Genetics (formerly Invitae), Labcorp
Classification: Uncertain significance. Last evaluated: 2024-10-07. Review status: criteria provided, single submitter. Criteria: Invitae Variant Classification Sherloc (09022015). Collection method: clinical testing. Allele origin: germline.
Comment: This sequence change replaces valine, which is neutral and non-polar, with isoleucine, which is neutral and non-polar, at codon 316 of the EXTL3 protein (p.Val316Ile). This variant is present in population databases (rs546457214, gnomAD 0.003%). This variant has not been reported in the literature in individuals affected with EXTL3-related conditions. ClinVar contains an entry for this variant (Variation ID: 1437828). Invitae Evidence Modeling of protein sequence and biophysical properties (such as structural, functional, and spatial information, amino acid conservation, physicochemical variation, residue mobility, and thermodynamic stability) indicates that this missense variant is not expected to disrupt EXTL3 protein function with a negative predictive value of 80%. In summary, the available evidence is currently insufficient to determine the role of this variant in disease. Therefore, it has been classified as a Variant of Uncertain Significance.

Ambry Genetics
Classification: Uncertain significance for Inborn genetic diseases. Last evaluated: 2023-02-16. Review status: criteria provided, single submitter. Criteria: Ambry Variant Classification Scheme 2023. Collection method: clinical testing. Allele origin: germline.

NM_001440.4(EXTL3):c.946G>A (p.Val316Ile)

Gene: EXTL3 (exostosin like glycosyltransferase 3; plus strand). Cytogenetic location: 8p21.1.
Variant type: single nucleotide variant.
Coding change: c.946G>A on transcript NM_001440.4 (MANE Select); coding-DNA position 946, G replaced by A.
Protein change: p.Val316Ile; replaces valine 316 with isoleucine.
Molecular consequence: missense variant.
Genome position (GRCh38, 1-based): chr8:28,717,005, G>A. VCF-style: chr8-28717005-G-A. GRCh37 (hg19) VCF-style: chr8-28574522-G-A.
Other names: c.946G>A (NM_001440.2); short protein forms V316I.
Identifiers: ClinVar variation 1437828 (VCV001437828.7), dbSNP rs546457214, ClinGen allele CA4696102.